The following is an entry in ClinVar:

NM_177438.3(DICER1):c.3879T>G (p.Asn1293Lys)

Gene: DICER1 (dicer 1, ribonuclease III; minus strand). Cytogenetic location: 14q32.13.
Variant type: single nucleotide variant.
Coding change: c.3879T>G on transcript NM_177438.3 (MANE Select); coding-DNA position 3879, T replaced by G.
Protein change: p.Asn1293Lys; replaces asparagine 1293 with lysine.
Molecular consequence: missense variant. On other transcripts: non-coding transcript variant (6).
Genome position (GRCh38, 1-based): chr14:95,103,517, A>C on the plus strand (T>G on the coding strand, the complement: DICER1 is on the minus strand). VCF-style: chr14-95103517-A-C. GRCh37 (hg19) VCF-style: chr14-95569854-A-C.
Other names: c.3879T>G, p.Asn1293Lys (NM_001195573.1, NM_001271282.3, NM_001291628.2 and 13 more transcripts); c.3597T>G, p.Asn1199Lys (NM_001395686.1); c.3474T>G, p.Asn1158Lys (NM_001395687.1, NM_001395688.1, NM_001395689.1 and 2 more transcripts); c.3312T>G, p.Asn1104Lys (NM_001395691.1); c.2196T>G, p.Asn732Lys (NM_001395697.1); short protein forms N1104K, N1158K, N1199K, N732K, N1293K.
Identifiers: ClinVar variation 1735771 (VCV001735771.2), dbSNP rs2542691259, ClinGen allele CA390873254.

ClinVar aggregate classification (germline): Uncertain significance (1 of 4 stars; one submission).

Conditions:
Hereditary cancer-predisposing syndrome. Also called: Neoplastic Syndromes, Hereditary; Tumor predisposition; Hereditary Cancer Syndrome; Hereditary neoplastic syndrome. Identifiers: Orphanet 140162, MedGen C0027672, MeSH D009386, MONDO:0015356.

Submission:

Ambry Genetics
Classification: Uncertain significance for Hereditary cancer-predisposing syndrome. Last evaluated: 2022-04-10. Review status: criteria provided, single submitter. Criteria: Ambry Variant Classification Scheme 2023. Collection method: clinical testing. Allele origin: germline.
Comment: The p.N1293K variant (also known as c.3879T>G), located in coding exon 20 of the DICER1 gene, results from a T to G substitution at nucleotide position 3879. The asparagine at codon 1293 is replaced by lysine, an amino acid with similar properties. This amino acid position is conserved. In addition, this alteration is predicted to be tolerated by in silico analysis. Since supporting evidence is limited at this time, the clinical significance of this alteration remains unclear.